The following is an entry in ClinVar:

ClinVar aggregate classification (germline): Uncertain significance (1 of 4 stars; one submission).

Submission:

GeneDx
Classification: Uncertain significance. Last evaluated: 2025-02-07. Review status: criteria provided, single submitter. Criteria: GeneDx Variant Classification Process June 2021. Collection method: clinical testing. Allele origin: germline. Affected: yes.
Comment: Not observed at significant frequency in large population cohorts (gnomAD); In silico analysis indicates that this missense variant does not alter protein structure/function; This substitution is predicted to be within the N-terminal cytoplasmic domain; Has not been previously published as pathogenic or benign to our knowledge

NM_001330260.2(SCN8A):c.307C>G (p.Leu103Val)

Gene: SCN8A (sodium voltage-gated channel alpha subunit 8; plus strand). Cytogenetic location: 12q13.13.
Variant type: single nucleotide variant.
Coding change: c.307C>G on transcript NM_001330260.2 (MANE Select); coding-DNA position 307, C replaced by G.
Protein change: p.Leu103Val; replaces leucine 103 with valine.
Molecular consequence: missense variant.
Genome position (GRCh38, 1-based): chr12:51,684,204, C>G. VCF-style: chr12-51684204-C-G. GRCh37 (hg19) VCF-style: chr12-52077988-C-G.
Other names: c.307C>G, p.Leu103Val (NM_001177984.3, NM_001369788.1, NM_014191.4); short protein forms L103V.
Identifiers: ClinVar variation 4074528 (VCV004074528.1).